The following is an entry in ClinVar:

ClinVar aggregate classification (germline): Uncertain significance (1 of 4 stars; one submission).

Submission:

Ambry Genetics
Classification: Uncertain significance. Last evaluated: 2022-12-13. Review status: criteria provided, single submitter. Criteria: Ambry Variant Classification Scheme 2023. Collection method: clinical testing. Allele origin: germline.
Comment: The c.131T>C (p.I44T) alteration is located in exon (coding exon ) of the MPPED1 gene. This alteration results from a T to C substitution at nucleotide position 131, causing the isoleucine (I) at amino acid position 44 to be replaced by a threonine (T). Based on insufficient or conflicting evidence, the clinical significance of this alteration remains unclear.

NM_001044370.2(MPPED1):c.131T>C (p.Ile44Thr)

Gene: MPPED1 (metallophosphoesterase domain containing 1; plus strand). Cytogenetic location: 22q13.2.
Variant type: single nucleotide variant.
Coding change: c.131T>C on transcript NM_001044370.2 (MANE Select); coding-DNA position 131, T replaced by C.
Protein change: p.Ile44Thr; replaces isoleucine 44 with threonine.
Molecular consequence: missense variant.
Genome position (GRCh38, 1-based): chr22:43,425,116, T>C. VCF-style: chr22-43425116-T-C. GRCh37 (hg19) VCF-style: chr22-43821122-T-C.
Other names: c.131T>C, p.Ile44Thr (NM_001362786.2, NM_001585.2); short protein forms I44T.
Identifiers: ClinVar variation 2334025 (VCV002334025.2), dbSNP rs2518390378, ClinGen allele CA411828495.
Genomic context (GRCh38, chr22:43,425,116, plus strand): 5'-GCATGGCATTCTCCCAGTCCCACGTGATGGCCGCTCGGCGGCACCAGCACAGCCGGCTCA[T>C]CATCGAGGTGGACGAGTACAGCTCCAACCCCACCCAGGCCTTCACCTTCTACAACATCAA-3'
Protein context (NP_001037835.1, residues 34-54): AARRHQHSRL[Ile44Thr]IEVDEYSSNP